The following is an entry in ClinVar:

NM_007294.4(BRCA1):c.3328_3329del (p.Lys1110fs)

Genes: BRCA1 (BRCA1 DNA repair associated; minus strand), LOC126862571 (BRD4-independent group 4 enhancer GRCh37_chr17:41243136-41244335; plus strand). Cytogenetic location: 17q21.31.
Variant type: Deletion.
Coding change: c.3328_3329del on transcript NM_007294.4 (MANE Select); coding-DNA positions 3328 to 3329, 2 bases deleted (AA; older notation c.3328_3329delAA).
Protein change: p.Lys1110fs; shifts the reading frame from lysine 1110.
Molecular consequence: frameshift variant. On other transcripts: intron variant (137).
Genome position (GRCh38, 1-based): chr17:43,092,202-43,092,203, TT deleted on the plus strand (AA on the coding strand, the reverse complement: BRCA1 is on the minus strand); deleting any 2 consecutive bases within chr17:43,092,202-43,092,207 gives the same sequence; the c. name uses the placement nearest the transcript's 3' end. VCF-style (leftmost placement, unchanged base first): chr17-43092201-CTT-C. GRCh37 (hg19) VCF-style: chr17-41244218-CTT-C.
Other names: c.2824_2825del, p.Lys942fs (NM_001407965.1); c.2440_2441del, p.Lys814fs (NM_001407966.1, NM_001407967.1); c.3187_3188del, p.Lys1063fs (NM_007297.4, NM_001407692.1, NM_001407694.1 and 29 more transcripts); c.3328_3329del, p.Lys1110fs (NM_007300.4, NM_001407581.1, NM_001407582.1 and 30 more transcripts); c.647-1171_647-1170del (NM_001408458.1, NM_001408469.1, NM_001408453.1 and 11 more transcripts); c.284-1171_284-1170del (NM_001408512.1); c.407-1171_407-1170del (NM_001408510.1); c.644-1171_644-1170del (NM_001408470.1, NM_001408464.1, NM_001408468.1 and 3 more transcripts); and 41 more; short protein forms K1063fs, K1110fs, K1021fs, K1022fs, K1043fs, K1062fs, K1109fs, K814fs.
Identifiers: ClinVar variation 2910430 (VCV002910430.3), dbSNP rs80357575, ClinGen allele CA2499224471.

ClinVar aggregate classification (germline): Pathogenic (1 of 4 stars; one submission).

Conditions:
Hereditary breast ovarian cancer syndrome. Also called: Breast and ovarian cancer; BRCA1- and BRCA2-Associated Hereditary Breast and Ovarian Cancer; Hereditary breast and ovarian cancer; Hereditary breast and/or ovarian cancer syndrome; Hereditary breast and ovarian cancer syndrome; Hereditary breast and ovarian cancer syndrome (HBOC). Identifiers: Orphanet 145, MedGen C0677776, MeSH D061325, MONDO:0003582. Disease mechanism: loss of function.

Submission:

Labcorp Genetics (formerly Invitae), Labcorp
Classification: Pathogenic for Hereditary breast ovarian cancer syndrome. Last evaluated: 2024-01-05. Review status: criteria provided, single submitter. Criteria: Invitae Variant Classification Sherloc (09022015). Collection method: clinical testing. Allele origin: germline.
Comment: This sequence change creates a premature translational stop signal (p.Lys1110Alafs*4) in the BRCA1 gene. It is expected to result in an absent or disrupted protein product. Loss-of-function variants in BRCA1 are known to be pathogenic (PMID: 20104584). This variant is not present in population databases (gnomAD no frequency). This premature translational stop signal has been observed in individual(s) with breast and ovarian cancer (PMID: 28176296, 30702160, 31742824, 31825140). For these reasons, this variant has been classified as Pathogenic.

Literature cited by the submitters: PubMed 20104584; PubMed 28176296; PubMed 30702160; PubMed 31742824; PubMed 31825140.